The following is an entry in ClinVar:

NM_001128164.2(ATXN1):c.2257C>T (p.Pro753Ser)

Gene: ATXN1 (ataxin 1; minus strand). Cytogenetic location: 6p22.3.
Variant type: single nucleotide variant.
Coding change: c.2257C>T on transcript NM_001128164.2 (MANE Select); coding-DNA position 2257, C replaced by T.
Protein change: p.Pro753Ser; replaces proline 753 with serine.
Molecular consequence: missense variant. On other transcripts: 3 prime UTR variant (1).
Genome position (GRCh38, 1-based): chr6:16,306,520, G>A on the plus strand (C>T on the coding strand, the complement: ATXN1 is on the minus strand). VCF-style: chr6-16306520-G-A. GRCh37 (hg19) VCF-style: chr6-16306751-G-A.
Other names: c.2257C>T, p.Pro753Ser (NM_000332.4); c.*1670C>T (NM_001357857.2); short protein forms P753S.
Identifiers: ClinVar variation 128499 (VCV000128499.7), dbSNP rs16885, ClinGen allele CA151982.

ClinVar aggregate classification (germline): Likely benign (0 of 4 stars; one submission).

Allele frequency attached by ClinVar (database versions not stated): 1000 Genomes Project 0.12280; 1000 Genomes Project 30x 0.12383; ESP Exome Variant Server 0.14416; TOPMed 0.14649.
gnomAD v4.1: 301,881 of 1,614,034 alleles (19%); highest among the groups gnomAD compares: Admixed American, 30%; 30,868 homozygotes.

Submission:

Genetic Services Laboratory, University of Chicago
Classification: Likely benign for AllHighlyPenetrant. Review status: no assertion criteria provided. Collection method: clinical testing. Allele origin: germline. Inheritance: Autosomal dominant inheritance.
Comment: Likely benign based on allele frequency in 1000 Genomes Project or ESP global frequency and its presence in a patient with a rare or unrelated disease phenotype. NOT Sanger confirmed.